The following is an entry in ClinVar:

NM_004526.4(MCM2):c.2476C>T (p.Arg826Cys)

Genes: MCM2 (minichromosome maintenance complex component 2; plus strand), LOC107986126 (uncharacterized LOC107986126; minus strand). Cytogenetic location: 3q21.3.
Variant type: single nucleotide variant.
Coding change: c.2476C>T on transcript NM_004526.4 (MANE Select); coding-DNA position 2476, C replaced by T.
Protein change: p.Arg826Cys; replaces arginine 826 with cysteine.
Molecular consequence: missense variant. On other transcripts: non-coding transcript variant (1).
Genome position (GRCh38, 1-based): chr3:127,621,100, C>T. VCF-style: chr3-127621100-C-T. GRCh37 (hg19) VCF-style: chr3-127339943-C-T.
Other names: short protein forms R826C.
Identifiers: ClinVar variation 2229067 (VCV002229067.3), dbSNP rs567419651, ClinGen allele CA2596265.

ClinVar aggregate classification (germline): Uncertain significance. Review status: criteria provided, multiple submitters, no conflicts (2 of 4 stars). 2 submissions from 2 submitters: Uncertain significance (2). Last evaluated 2025-11-12.

Allele frequency attached by ClinVar (database versions not stated): ExAC 0.00001; gnomAD 0.00001; gnomAD exomes 0.00001; TOPMed 0.00007.
gnomAD v4.1: 21 of 1,614,204 alleles (0.0013%); highest among the groups gnomAD compares: Admixed American, 0.012%; no homozygotes.

Submissions (2):

Women's Health and Genetics/Laboratory Corporation of America, LabCorp
Classification: Uncertain significance. Last evaluated: 2025-11-12. Review status: criteria provided, single submitter. Criteria: LabCorp Variant Classification Summary - May 2015. Collection method: clinical testing. Allele origin: germline.
Comment: Variant summary: MCM2 c.2476C>T (p.Arg826Cys) results in a non-conservative amino acid change in the encoded protein sequence. Algorithms developed to predict the effect of missense changes on protein structure and function are either unavailable or do not agree on the potential impact of this missense change. The variant allele was found at a frequency of 2e-05 in 251460 control chromosomes. The available data on variant occurrences in the general population are insufficient to allow any conclusion about variant significance. c.2476C>T has been observed in individuals affected with hearing loss, without strong evidence for causality (Florentine_2022, Scaria_2025). These reports do not provide unequivocal conclusions about association of the variant with Autosomal dominant nonsyndromic hearing loss 70. The following publications have been ascertained in the context of this evaluation (PMID: 34515852, 40069133). To our knowledge, no experimental evidence demonstrating an impact on protein function has been reported. ClinVar contains an entry for this variant (Variation ID: 2229067). Based on the evidence outlined above, the variant was classified as uncertain significance.

Ambry Genetics
Classification: Uncertain significance. Last evaluated: 2021-09-17. Review status: criteria provided, single submitter. Criteria: Ambry Variant Classification Scheme 2023. Collection method: clinical testing. Allele origin: germline.

Literature cited by the submitters: PubMed 34515852 (cited by Women's Health and Genetics/Laboratory Corporation of America, LabCorp); PubMed 40069133 (cited by Women's Health and Genetics/Laboratory Corporation of America, LabCorp).